The following is an entry in ClinVar:

NM_138420.4(AHNAK2):c.4892C>G (p.Pro1631Arg)

Gene: AHNAK2 (AHNAK nucleoprotein 2; minus strand). Cytogenetic location: 14q32.33.
Variant type: single nucleotide variant.
Coding change: c.4892C>G on transcript NM_138420.4 (MANE Select); coding-DNA position 4892, C replaced by G.
Protein change: p.Pro1631Arg; replaces proline 1631 with arginine.
Molecular consequence: missense variant.
Genome position (GRCh38, 1-based): chr14:104,950,559, G>C on the plus strand (C>G on the coding strand, the complement: AHNAK2 is on the minus strand). VCF-style: chr14-104950559-G-C. GRCh37 (hg19) VCF-style: chr14-105416896-G-C.
Other names: c.4592C>G, p.Pro1531Arg (NM_001350929.2); c.4892C>G (NM_138420.2); short protein forms P1531R, P1631R.
Identifiers: ClinVar variation 2644815 (VCV002644815.26), dbSNP rs748013805, ClinGen allele CA7382153.

ClinVar aggregate classification (germline): Conflicting classifications of pathogenicity. Review status: criteria provided, conflicting classifications (1 of 4 stars). 3 submissions from 3 submitters: Uncertain significance (1); Likely benign (2). Last evaluated 2026-04-01.

gnomAD v4.1: 87 of 1,586,872 alleles (0.0055%); highest among the groups gnomAD compares: Middle Eastern, 0.12%; 10 homozygotes.

Submissions (3):

CeGaT Center for Human Genetics Tuebingen
Classification: Likely benign. Last evaluated: 2026-04-01. Review status: criteria provided, single submitter. Criteria: CeGaT Center For Human Genetics Tuebingen Variant Classification Criteria Version 2. Collection method: clinical testing. Allele origin: germline. Affected: yes. Observed: 5 variant alleles.
Comment: AHNAK2: BP4, BS2

Ambry Genetics
Classification: Uncertain significance. Last evaluated: 2024-06-16. Review status: criteria provided, single submitter. Criteria: Ambry Variant Classification Scheme 2023. Collection method: clinical testing. Allele origin: germline.

Breakthrough Genomics
Classification: Likely benign. Review status: criteria provided, single submitter. Criteria: ACMG Guidelines, 2015. Collection method: not provided. Allele origin: germline. Inheritance: Unknown mechanism. Affected: yes.